The following is an entry in ClinVar:

NM_001024630.4(RUNX2):c.14G>C (p.Ser5Thr)

Genes: RUNX2 (RUNX family transcription factor 2; plus strand), SUPT3H (SPT3 homolog, SAGA and STAGA complex component; minus strand). Cytogenetic location: 6p21.1.
Variant type: single nucleotide variant.
Coding change: c.14G>C on transcript NM_001024630.4 (MANE Select); coding-DNA position 14, G replaced by C.
Protein change: p.Ser5Thr; replaces serine 5 with threonine.
Molecular consequence: missense variant. On other transcripts: non-coding transcript variant (2), intron variant (8).
Genome position (GRCh38, 1-based): chr6:45,328,740, G>C. VCF-style: chr6-45328740-G-C. GRCh37 (hg19) VCF-style: chr6-45296477-G-C.
Other names: c.14G>C, p.Ser5Thr (NM_001015051.4); c.-73+36461C>G (NM_001350327.2); c.101+36461C>G (NM_001350325.2, NM_003599.4, NM_001350324.2 and 1 more transcripts); c.-265+36461C>G (NM_001261823.2); c.-51-5773C>G (NM_181356.3, NM_001350326.2); short protein forms S5T.
Identifiers: ClinVar variation 1942097 (VCV001942097.5), dbSNP rs541256105, ClinGen allele CA363956185.

ClinVar aggregate classification (germline): Uncertain significance (1 of 4 stars; one submission).

Allele frequency attached by ClinVar (database versions not stated): gnomAD exomes below 0.00001.
gnomAD v4.1: 1 of 1,612,108 alleles (0.000062%); highest among the groups gnomAD compares: Middle Eastern, 0.017%; no homozygotes.

Submission:

Labcorp Genetics (formerly Invitae), Labcorp
Classification: Uncertain significance. Last evaluated: 2022-10-15. Review status: criteria provided, single submitter. Criteria: Invitae Variant Classification Sherloc (09022015). Collection method: clinical testing. Allele origin: germline.
Comment: In summary, the available evidence is currently insufficient to determine the role of this variant in disease. Therefore, it has been classified as a Variant of Uncertain Significance. Algorithms developed to predict the effect of missense changes on protein structure and function are either unavailable or do not agree on the potential impact of this missense change (SIFT: "Tolerated"; PolyPhen-2: "Possibly Damaging"; Align-GVGD: "Class C0"). This variant has not been reported in the literature in individuals affected with RUNX2-related conditions. This variant is not present in population databases (gnomAD no frequency). This sequence change replaces serine, which is neutral and polar, with threonine, which is neutral and polar, at codon 5 of the RUNX2 protein (p.Ser5Thr).